The following is an entry in ClinVar:

NM_194248.3(OTOF):c.3888G>A (p.Val1296=)

Gene: OTOF (otoferlin; minus strand). Cytogenetic location: 2p23.3.
Variant type: single nucleotide variant.
Coding change: c.3888G>A on transcript NM_194248.3 (MANE Select); coding-DNA position 3888, G replaced by A.
Protein change: p.Val1296=; no amino-acid change (valine 1296 retained).
Molecular consequence: synonymous variant.
Genome position (GRCh38, 1-based): chr2:26,471,127, C>T on the plus strand (G>A on the coding strand, the complement: OTOF is on the minus strand). VCF-style: chr2-26471127-C-T. GRCh37 (hg19) VCF-style: chr2-26693995-C-T.
Other names: c.3888G>A, p.Val1296= (NM_001287489.2); c.1587G>A, p.Val529= (NM_004802.4, NM_194323.3); c.1818G>A, p.Val606= (NM_194322.3).
Identifiers: ClinVar variation 764106 (VCV000764106.12), dbSNP rs753038809, ClinGen allele CA1563384.

ClinVar aggregate classification (germline): Likely benign. Review status: criteria provided, multiple submitters, no conflicts (2 of 4 stars). 2 submissions from 2 submitters: Likely benign (2). Last evaluated 2025-10-01.

Allele frequency attached by ClinVar (database versions not stated): ExAC 0.00002; gnomAD exomes 0.00002 and 0.00009; gnomAD 0.00005 and 0.00006; TOPMed 0.00005.
gnomAD v4.1: 135 of 1,614,006 alleles (0.0084%); highest among the groups gnomAD compares: Non-Finnish European, 0.011%; no homozygotes.

Submissions (2):

CeGaT Center for Human Genetics Tuebingen
Classification: Likely benign. Last evaluated: 2025-10-01. Review status: criteria provided, single submitter. Criteria: CeGaT Center For Human Genetics Tuebingen Variant Classification Criteria Version 2. Collection method: clinical testing. Allele origin: germline. Affected: yes. Observed: 1 variant allele.
Comment: OTOF: BP7

Labcorp Genetics (formerly Invitae), Labcorp
Classification: Likely benign. Last evaluated: 2024-02-27. Review status: criteria provided, single submitter. Criteria: Invitae Variant Classification Sherloc (09022015). Collection method: clinical testing. Allele origin: germline.